The following is an entry in ClinVar:

ClinVar aggregate classification (germline): Uncertain significance (1 of 4 stars; one submission).

Conditions:
Hereditary cancer-predisposing syndrome. Also called: Neoplastic Syndromes, Hereditary; Tumor predisposition; Hereditary Cancer Syndrome; Hereditary neoplastic syndrome. Identifiers: Orphanet 140162, MedGen C0027672, MeSH D009386, MONDO:0015356.

Submission:

Ambry Genetics
Classification: Uncertain significance for Hereditary cancer-predisposing syndrome. Last evaluated: 2026-03-09. Review status: criteria provided, single submitter. Criteria: Ambry Variant Classification Scheme 2023. Collection method: clinical testing. Allele origin: germline.
Comment: The p.G339R variant (also known as c.1015G>C), located in coding exon 9 of the EGFR gene, results from a G to C substitution at nucleotide position 1015. The glycine at codon 339 is replaced by arginine, an amino acid with dissimilar properties. This amino acid position is highly conserved in available vertebrate species. In addition, the in silico prediction for this alteration is inconclusive. Based on the available evidence, the clinical significance of this variant remains unclear.

NM_005228.5(EGFR):c.1015G>C (p.Gly339Arg)

Genes: EGFR (epidermal growth factor receptor; plus strand), LOC126860048 (P300/CBP strongly-dependent group 1 enhancer GRCh37_chr7:55223847-55225046; plus strand). Cytogenetic location: 7p11.2.
Variant type: single nucleotide variant.
Coding change: c.1015G>C on transcript NM_005228.5 (MANE Select); coding-DNA position 1015, G replaced by C.
Protein change: p.Gly339Arg; replaces glycine 339 with arginine.
Molecular consequence: missense variant.
Genome position (GRCh38, 1-based): chr7:55,156,541, G>C. VCF-style: chr7-55156541-G-C. GRCh37 (hg19) VCF-style: chr7-55224234-G-C.
Other names: c.880G>C, p.Gly294Arg (NM_001346897.2, NM_001346899.2); c.1015G>C, p.Gly339Arg (NM_001346898.2, NM_201282.2, NM_201283.2 and 1 more transcripts); c.856G>C, p.Gly286Arg (NM_001346900.2); c.214G>C, p.Gly72Arg (NM_001346941.2); short protein forms G286R, G294R, G72R, G339R.
Identifiers: ClinVar variation 4826841 (VCV004826841.1).